The following is an entry in ClinVar:

ClinVar aggregate classification (germline): Pathogenic (1 of 4 stars; one submission).

Conditions:
X-linked hydrocephalus syndrome (HYCX). Also called: X-linked hydrocephalus; AQUEDUCTAL STENOSIS, X-LINKED; X-Linked Hydrocephalus with Stenosis of the Aqueduct of Sylvius; HYDROCEPHALUS, CONGENITAL, X-LINKED; X-Linked Hydrocephalus with Stenosis of the Aqueduct of Sylvius (HSAS). Identifiers: Orphanet 2182, MedGen C0265216, MONDO:0010611, OMIM 307000.

Submission:

Victorian Clinical Genetics Services, Murdoch Childrens Research Institute
Classification: Pathogenic for X-linked hydrocephalus syndrome. Last evaluated: 2022-02-02. Review status: criteria provided, single submitter. Criteria: ACMG Guidelines, 2015. Collection method: clinical testing. Allele origin: germline. Inheritance: X-linked recessive inheritance. Affected: yes.
Comment: Based on the classification scheme VCGS_Germline_v1.3.4, this variant is classified as Pathogenic. Following criteria are met: 0102 - Loss of function is a known mechanism of disease in this gene and is associated with partial agenesis of corpus callosum (MIM#304100), CRASH or MASA syndrome (MIM#303350), hydrocephalus due to aqueductal stenosis or with/without congenital idiopathic intestinal pseudoobstruction (MIM#307000) and hydrocephalus with Hirschsprung disease (MIM#307000). (I) 0109 - This gene is associated with X-linked recessive disease. (I) 0212 - Non-canonical splice site variant without proven consequence on splicing (no functional evidence available). (SP) 0253 - This variant is hemizygous. (I) 0301 - Variant is absent from gnomAD (both v2 and v3). (SP) 0505 - Abnormal splicing is predicted by in silico tools and affected nucleotide is highly conserved. (SP) 0705 - No comparable spice site region variants have previous evidence for pathogenicity. (I) 0802 - This variant has moderate previous evidence of pathogenicity in unrelated individuals. It has been reported once de novo in a fetus with severe ventriculomegaly and later diagnosed as L1 syndrome (PMID: 30249681). (SP) 0905 - No published segregation evidence has been identified for this variant. (I) 1007 - No published functional evidence has been identified for this variant. (I) 1102 - Strong phenotype match for this individual. (SP) Legend: (SP) - Supporting pathogenic, (I) - Information, (SB) - Supporting benign

Literature cited by the submitters: PubMed 30249681.

NM_001278116.2(L1CAM):c.1703+5G>A

Gene: L1CAM (L1 cell adhesion molecule; minus strand). Cytogenetic location: Xq28.
Variant type: single nucleotide variant.
Coding change: c.1703+5G>A on transcript NM_001278116.2 (MANE Select); 5 bases into the intron after coding-DNA position 1703, G replaced by A.
Molecular consequence: intron variant.
Genome position (GRCh38, 1-based): chrX:153,868,297, C>T on the plus strand (G>A on the coding strand, the complement: L1CAM is on the minus strand). VCF-style: chrX-153868297-C-T. GRCh37 (hg19) VCF-style: chrX-153133752-C-T.
Other names: c.1688+5G>A (NM_001143963.2); c.1703+5G>A (NM_024003.3, NM_000425.5).
Identifiers: ClinVar variation 1805138 (VCV001805138.1), dbSNP rs2520999577, ClinGen allele CA2573050744.